The following is an entry in ClinVar:

NM_018429.3(BDP1):c.7726A>G (p.Ser2576Gly)

Gene: BDP1 (BDP1 general transcription factor IIIB subunit; plus strand). Cytogenetic location: 5q13.2.
Variant type: single nucleotide variant.
Coding change: c.7726A>G on transcript NM_018429.3 (MANE Select); coding-DNA position 7726, A replaced by G.
Protein change: p.Ser2576Gly; replaces serine 2576 with glycine.
Molecular consequence: missense variant.
Genome position (GRCh38, 1-based): chr5:71,562,503, A>G. VCF-style: chr5-71562503-A-G. GRCh37 (hg19) VCF-style: chr5-70858330-A-G.
Other names: short protein forms S2576G.
Identifiers: ClinVar variation 4987793 (VCV004987793.1).

ClinVar aggregate classification (germline): Uncertain significance (1 of 4 stars; one submission).

Conditions:
BDP1-related disorder. Also called: BDP1-related condition.

gnomAD v4.1: 3 of 1,613,724 alleles (0.00019%); highest among the groups gnomAD compares: East Asian, 0.0067%; no homozygotes.

Submission:

PreventionGenetics, part of Exact Sciences
Classification: Uncertain significance for BDP1-related condition. Last evaluated: 2025-07-24. Review status: criteria provided, single submitter. Criteria: ACMG Guidelines, 2015. Collection method: clinical testing. Allele origin: germline.
Comment: The BDP1 c.7726A>G variant is predicted to result in the amino acid substitution p.Ser2576Gly. To our knowledge, this variant has not been reported in the literature or in a large population database (gnomAD), indicating this variant is rare. At this time, the clinical significance of this variant is uncertain due to the absence of conclusive functional and genetic evidence.